The following is an entry in ClinVar:

ClinVar aggregate classification (germline): Uncertain significance (1 of 4 stars; one submission).

Allele frequency attached by ClinVar (database versions not stated): gnomAD exomes 0.00001.
gnomAD v4.1: 3 of 1,567,416 alleles (0.00019%); highest among the groups gnomAD compares: Admixed American, 0.0056%; no homozygotes.

Submission:

Labcorp Genetics (formerly Invitae), Labcorp
Classification: Uncertain significance. Last evaluated: 2025-10-01. Review status: criteria provided, single submitter. Criteria: Invitae Variant Classification Sherloc (09022015). Collection method: clinical testing. Allele origin: germline.
Comment: This sequence change replaces proline, which is neutral and non-polar, with leucine, which is neutral and non-polar, at codon 881 of the COL18A1 protein (p.Pro881Leu). The frequency data for this variant in the population databases is considered unreliable, as metrics indicate poor data quality at this position in the gnomAD database. This variant has not been reported in the literature in individuals affected with COL18A1-related conditions. ClinVar contains an entry for this variant (Variation ID: 1372381). Experimental studies and prediction algorithms are not available or were not evaluated, and the functional significance of this variant is currently unknown. In summary, the available evidence is currently insufficient to determine the role of this variant in disease. Therefore, it has been classified as a Variant of Uncertain Significance.

NM_001379500.1(COL18A1):c.2642C>T (p.Pro881Leu)

Gene: COL18A1 (collagen type XVIII alpha 1 chain; plus strand). Cytogenetic location: 21q22.3.
Variant type: single nucleotide variant.
Coding change: c.2642C>T on transcript NM_001379500.1 (MANE Select); coding-DNA position 2642, C replaced by T.
Protein change: p.Pro881Leu; replaces proline 881 with leucine.
Molecular consequence: missense variant.
Genome position (GRCh38, 1-based): chr21:45,497,620, C>T. VCF-style: chr21-45497620-C-T. GRCh37 (hg19) VCF-style: chr21-46917534-C-T.
Other names: c.3182C>T, p.Pro1061Leu (NM_030582.4); c.3887C>T, p.Pro1296Leu (NM_130444.3); short protein forms P1061L, P1296L, P881L.
Identifiers: ClinVar variation 1372381 (VCV001372381.4), dbSNP rs1336199682, ClinGen allele CA410498176.